The following is an entry in ClinVar:

NM_001458.5(FLNC):c.7588A>G (p.Thr2530Ala)

Genes: FLNC-AS1 (FLNC antisense RNA 1; minus strand), FLNC (filamin C; plus strand). Cytogenetic location: 7q32.1.
Variant type: single nucleotide variant.
Coding change: c.7588A>G on transcript NM_001458.5 (MANE Select); coding-DNA position 7588, A replaced by G.
Protein change: p.Thr2530Ala; replaces threonine 2530 with alanine.
Molecular consequence: missense variant.
Genome position (GRCh38, 1-based): chr7:128,857,144, A>G. VCF-style: chr7-128857144-A-G. GRCh37 (hg19) VCF-style: chr7-128497198-A-G.
Other names: c.7489A>G, p.Thr2497Ala (NM_001127487.2); short protein forms T2497A, T2530A.
Identifiers: ClinVar variation 1483356 (VCV001483356.5), dbSNP rs760694025, ClinGen allele CA4476317.

ClinVar aggregate classification (germline): Uncertain significance (1 of 4 stars; one submission).

Conditions:
Myofibrillar myopathy 5. Also called: Filaminopathy (type); FILAMINOPATHY, AUTOSOMAL DOMINANT. Identifiers: Orphanet 171445, MedGen C1836050, MONDO:0012289, OMIM 609524.
Distal myopathy with posterior leg and anterior hand involvement. Also called: WILLIAMS DISTAL MYOPATHY. Identifiers: Orphanet 63273, MedGen C3279722, MONDO:0013550, OMIM 614065.
Hypertrophic cardiomyopathy 26. Also called: Cardiomyopathy, familial hypertrophic, 26. Identifiers: Orphanet 75249, MedGen C4310749, MONDO:0014883, OMIM 617047.

Allele frequency attached by ClinVar (database versions not stated): gnomAD exomes below 0.00001 and 0.00001; TOPMed below 0.00001; ExAC 0.00001; gnomAD 0.00001.
gnomAD v4.1: 8 of 1,613,908 alleles (0.0005%); highest among the groups gnomAD compares: South Asian, 0.0033%; no homozygotes.

Submission:

Labcorp Genetics (formerly Invitae), Labcorp
Classification: Uncertain significance for Distal myopathy with posterior leg and anterior hand involvement; Myofibrillar myopathy 5; Hypertrophic cardiomyopathy 26. Last evaluated: 2025-12-22. Review status: criteria provided, single submitter. Criteria: Invitae Variant Classification Sherloc (09022015). Collection method: clinical testing. Allele origin: germline.
Comment: This sequence change replaces threonine, which is neutral and polar, with alanine, which is neutral and non-polar, at codon 2530 of the FLNC protein (p.Thr2530Ala). This variant is present in population databases (rs760694025, gnomAD 0.01%). This variant has not been reported in the literature in individuals affected with FLNC-related conditions. ClinVar contains an entry for this variant (Variation ID: 1483356). Invitae Evidence Modeling of protein sequence and biophysical properties (such as structural, functional, and spatial information, amino acid conservation, physicochemical variation, residue mobility, and thermodynamic stability) indicates that this missense variant is not expected to disrupt FLNC protein function with a negative predictive value of 95%. In summary, the available evidence is currently insufficient to determine the role of this variant in disease. Therefore, it has been classified as a Variant of Uncertain Significance.